The following is an entry in ClinVar:

ClinVar aggregate classification (germline): Likely benign. Review status: criteria provided, single submitter (1 of 4 stars). 2 submissions from 2 submitters: Likely benign (1). 1 of the submissions does not count toward it. Last evaluated 2017-01-19.

Conditions:
ZNF526-related disorder. Also called: ZNF526-related condition.

Allele frequency attached by ClinVar (database versions not stated): ExAC 0.00006; gnomAD exomes 0.00008 and 0.00014; gnomAD 0.00014; ESP Exome Variant Server 0.00015; TOPMed 0.00015.
gnomAD v4.1: 237 of 1,614,064 alleles (0.015%); highest among the groups gnomAD compares: Middle Eastern, 0.049%; no homozygotes.

Submissions (2):

Genetic Services Laboratory, University of Chicago
Classification: Likely benign. Last evaluated: 2017-01-19. Review status: criteria provided, single submitter. Criteria: ACMG Guidelines, 2015. Collection method: clinical testing. Allele origin: germline. Affected: no.

PreventionGenetics, part of Exact Sciences
Classification: Likely benign for ZNF526-related condition. Last evaluated: 2019-09-30. Review status: no assertion criteria provided. Collection method: clinical testing. Allele origin: germline. Not counted in ClinVar's aggregate classification.
Comment: This variant is classified as likely benign based on ACMG/AMP sequence variant interpretation guidelines (Richards et al. 2015 PMID: 25741868, with internal and published modifications).

NM_133444.3(ZNF526):c.1458C>T (p.His486=)

Gene: ZNF526 (zinc finger protein 526; plus strand). Cytogenetic location: 19q13.2.
Variant type: single nucleotide variant.
Coding change: c.1458C>T on transcript NM_133444.3 (MANE Select); coding-DNA position 1458, C replaced by T.
Protein change: p.His486=; no amino-acid change (histidine 486 retained).
Molecular consequence: synonymous variant.
Genome position (GRCh38, 1-based): chr19:42,225,861, C>T. VCF-style: chr19-42225861-C-T. GRCh37 (hg19) VCF-style: chr19-42730013-C-T.
Other names: c.1458C>T, p.His486= (NM_001314033.3); c.1458C>T (NM_133444.2).
Identifiers: ClinVar variation 437388 (VCV000437388.8), dbSNP rs145696319, ClinGen allele CA9470584.
Genomic context (GRCh38, chr19:42,225,861, plus strand): 5'-GCCCCCTGAACGGCGTCACCGCTGTGGGGTTTGTGGCAAGGGCTTCAAGAAGCTGATCCA[C>T]GTGCGCAACCACCTGCGGACACACACGGGTGAGAGGCCCTTCCAGTGCCACTCATGTGGC-3'
Protein context (NP_597701.1, residues 476-496): VCGKGFKKLI[His486=]VRNHLRTHTG